The following is an entry in ClinVar:

NM_001972.4(ELANE):c.95G>A (p.Gly32Glu)

Gene: ELANE (elastase, neutrophil expressed; plus strand). Cytogenetic location: 19p13.3.
Variant type: single nucleotide variant.
Coding change: c.95G>A on transcript NM_001972.4 (MANE Select); coding-DNA position 95, G replaced by A.
Protein change: p.Gly32Glu; replaces glycine 32 with glutamic acid.
Molecular consequence: missense variant.
Genome position (GRCh38, 1-based): chr19:852,903, G>A. VCF-style: chr19-852903-G-A. GRCh37 (hg19) VCF-style: chr19-852903-G-A.
Other names: short protein forms G32E.
Identifiers: ClinVar variation 4248068 (VCV004248068.1).
Genomic context (GRCh38, chr19:852,903, plus strand): 5'-GGCACTCAGCACCCGCACCCGGTGTGTCCCCAGGCACCGCGCTGGCCTCGGAGATTGTGG[G>A]GGGCCGGCGAGCGCGGCCCCACGCGTGGCCCTTCATGGTGTCCCTGCAGCTGCGCGGAGG-3'
Protein context (NP_001963.1, residues 22-42): GGTALASEIV[Gly32Glu]GRRARPHAWP

ClinVar aggregate classification (germline): Uncertain significance (1 of 4 stars; one submission).

Conditions:
Inborn genetic diseases. Identifiers: MedGen C0950123, MeSH D030342.

Submission:

Ambry Genetics
Classification: Uncertain significance for Inborn genetic diseases. Last evaluated: 2025-07-15. Review status: criteria provided, single submitter. Criteria: Ambry Variant Classification Scheme 2023. Collection method: clinical testing. Allele origin: germline.
Comment: The p.G32E variant (also known as c.95G>A), located in coding exon 2 of the ELANE gene, results from a G to A substitution at nucleotide position 95. The glycine at codon 32 is replaced by glutamic acid, an amino acid with similar properties. This amino acid position is conserved. In addition, this alteration is predicted to be deleterious by in silico analysis. Based on the available evidence, the clinical significance of this variant remains unclear.